The following is an entry in ClinVar:

ClinVar aggregate classification (germline): Benign. Review status: criteria provided, multiple submitters, no conflicts (2 of 4 stars). 4 submissions from 2 submitters: Benign (4). Last evaluated 2018-01-12.

Conditions:
Channelopathy-associated congenital insensitivity to pain, autosomal recessive. Also called: Insensitivity to pain, channelopathy-associated; ASYMBOLIA FOR PAIN; CONGENITAL ANALGESIA, AUTOSOMAL RECESSIVE. Identifiers: Orphanet 88642, Orphanet 970, MedGen C1855739, MONDO:0009459, OMIM 243000.
Primary erythromelalgia. Also called: SCN9A Erythromelalgia (SCN9A-EM); primary erythermalgia. Identifiers: Orphanet 306577, Orphanet 90026, MedGen C0014805, MONDO:0007571, OMIM 133020.
Paroxysmal extreme pain disorder (PEXPD). Also called: PAIN, SUBMANDIBULAR, OCULAR, AND RECTAL, WITH FLUSHING; RECTAL PAIN, FAMILIAL; SCN9A Paroxysmal Extreme Pain Disorder (SCN9A-PEPD). Identifiers: Orphanet 46348, MedGen C1833661, MONDO:0008179, OMIM 167400.

Allele frequency attached by ClinVar (database versions not stated): TOPMed 0.02024; 1000 Genomes Project 0.02436; 1000 Genomes Project 30x 0.02842.
gnomAD v4.1: 3,599 of 403,042 alleles (0.89%); highest among the groups gnomAD compares: African/African-American, 6.9%; 93 homozygotes.

Submissions (4):

Illumina Laboratory Services, Illumina
Classification: Benign for Primary erythromelalgia. Last evaluated: 2018-01-12. Review status: criteria provided, single submitter. Criteria: ICSL Variant Classification Criteria 13 December 2019. Collection method: clinical testing. Allele origin: germline.
Comment: This variant was observed in the ICSL laboratory as part of a predisposition screen in an ostensibly healthy population. It had not been previously curated by ICSL or reported in the Human Gene Mutation Database (HGMD: prior to June 1st, 2018), and was therefore a candidate for classification through an automated scoring system. Utilizing variant allele frequency, disease prevalence and penetrance estimates, and inheritance mode, an automated score was calculated to assess if this variant is too frequent to cause the disease. Based on the score and internal cut-off values, a variant classified as benign is not then subjected to further curation. The score for this variant resulted in a classification of benign for this disease.

Illumina Laboratory Services, Illumina
Classification: Benign for Paroxysmal extreme pain disorder. Last evaluated: 2018-01-12. Review status: criteria provided, single submitter. Criteria: ICSL Variant Classification Criteria 13 December 2019. Collection method: clinical testing. Allele origin: germline.
Comment: the same text as in the submission from Illumina Laboratory Services, Illumina above.

Illumina Laboratory Services, Illumina
Classification: Benign for Channelopathy-associated congenital insensitivity to pain, autosomal recessive. Last evaluated: 2018-01-12. Review status: criteria provided, single submitter. Criteria: ICSL Variant Classification Criteria 13 December 2019. Collection method: clinical testing. Allele origin: germline.
Comment: the same text as in the submission from Illumina Laboratory Services, Illumina above.

Breakthrough Genomics
Classification: Benign. Review status: criteria provided, single submitter. Criteria: ACMG Guidelines, 2015. Collection method: not provided. Allele origin: germline. Inheritance: Autosomal recessive inheritance. Affected: yes.

NM_001365536.1(SCN9A):c.*237C>G

Genes: SCN1A-AS1 (SCN1A and SCN9A antisense RNA 1; plus strand), SCN9A (sodium voltage-gated channel alpha subunit 9; minus strand). Cytogenetic location: 2q24.3.
Variant type: single nucleotide variant.
Coding change: c.*237C>G on transcript NM_001365536.1 (MANE Select); 237 bases downstream of the stop codon, C replaced by G.
Molecular consequence: 3 prime UTR variant.
Genome position (GRCh38, 1-based): chr2:166,198,435, G>C on the plus strand (C>G on the coding strand, the complement: SCN9A is on the minus strand). VCF-style: chr2-166198435-G-C. GRCh37 (hg19) VCF-style: chr2-167054945-G-C.
Other names: c.*237C>G (NM_002977.4).
Identifiers: ClinVar variation 331951 (VCV000331951.7), dbSNP rs16851755, ClinGen allele CA10612522.